The following is an entry in ClinVar:

ClinVar aggregate classification (germline): Pathogenic (1 of 4 stars; one submission).

Conditions:
Autosomal recessive Parkinson disease 14. Also called: DYSTONIA-PARKINSONISM, ADULT-ONSET; PARKINSON DISEASE 14. Identifiers: Orphanet 199351, MedGen C2751842, MONDO:0013060, OMIM 612953.
Infantile neuroaxonal dystrophy (NBIA2A). Also called: NEURODEGENERATION WITH BRAIN IRON ACCUMULATION 2A; SEITELBERGER DISEASE; Infantile neuroaxonal dystrophy 1. Identifiers: Orphanet 35069, MedGen C0270724, MONDO:0024457, OMIM 256600.
Neurodegeneration with brain iron accumulation 2B. Also called: NEUROAXONAL DYSTROPHY, ATYPICAL; NEURODEGENERATION WITH BRAIN IRON ACCUMULATION, PLA2G6-RELATED; aNAD; atypical Neuroaxonal Dystrophy (aNAD). Identifiers: Orphanet 35069, MedGen C1857747, MONDO:0012444, OMIM 610217.

Submission:

Juno Genomics, Hangzhou Juno Genomics, Inc
Classification: Pathogenic for Infantile neuroaxonal dystrophy; Neurodegeneration with brain iron accumulation 2B; Autosomal recessive Parkinson disease 14. Review status: criteria provided, single submitter. Criteria: ACMG Guidelines, 2015. Collection method: clinical testing. Allele origin: germline. Affected: yes.
Comment: Absent from controls (or at extremely low frequency if recessive) in Genome Aggregation Database, Exome Sequencing Project, 1000 Genomes Project, or Exome Aggregation Consortium.;Null variant in a gene where loss of function (LOF) is a known mechanism of disease.;For recessive disorders, detected in trans with a pathogenic variant.

NM_003560.4(PLA2G6):c.111_112dup (p.Val38fs)

Gene: PLA2G6 (phospholipase A2 group VI; minus strand). Cytogenetic location: 22q13.1.
Variant type: Duplication.
Coding change: c.111_112dup on transcript NM_003560.4 (MANE Select); coding-DNA positions 111 to 112, 2 bases duplicated (AG; older notation c.111_112dupAG).
Protein change: p.Val38fs; shifts the reading frame from valine 38.
Molecular consequence: frameshift variant. On other transcripts: 5 prime UTR variant (3).
Genome position (GRCh38, 1-based): chr22:38,169,315-38,169,316, CT duplicated on the plus strand (AG on the coding strand, the reverse complement: PLA2G6 is on the minus strand); duplicating any 2 consecutive bases within chr22:38,169,315-38,169,317 gives the same sequence; the c. name uses the placement nearest the transcript's 3' end. VCF-style (leftmost placement, unchanged base first): chr22-38169314-A-ACT. GRCh37 (hg19) VCF-style: chr22-38565321-A-ACT.
Other names: c.111_112dup, p.Val38fs (NM_001004426.3, NM_001199562.3, NM_001349864.2 and 2 more transcripts); c.-555_-554dup (NM_001349867.2, NM_001349869.2); c.-380_-379dup (NM_001349868.2); short protein forms V38fs.
Identifiers: ClinVar variation 3764717 (VCV003764717.2).